The following is an entry in ClinVar:

ClinVar aggregate classification (germline): Conflicting classifications of pathogenicity. Review status: criteria provided, conflicting classifications (1 of 4 stars). 3 submissions from 3 submitters: Uncertain significance (1); Likely benign (1). 1 of the submissions does not count toward it. Last evaluated 2025-06-23.

Conditions:
BAP1-related disorder. Also called: BAP1-related condition.
Hereditary cancer-predisposing syndrome. Also called: Neoplastic Syndromes, Hereditary; Tumor predisposition; Hereditary Cancer Syndrome; Hereditary neoplastic syndrome. Identifiers: Orphanet 140162, MedGen C0027672, MeSH D009386, MONDO:0015356.
BAP1-related tumor predisposition syndrome (TPDS1). Also called: BAP1 tumor predisposition syndrome; COMMON Syndrome; TUMOR PREDISPOSITION SYNDROME 1; Tumor susceptibility linked to germline BAP1 mutations. Identifiers: Orphanet 289539, MedGen C3280492, MONDO:0013692, OMIM 614327.

Allele frequency attached by ClinVar (database versions not stated): TOPMed below 0.00001; gnomAD 0.00001; gnomAD exomes 0.00001.

Submissions (3):

Ambry Genetics
Classification: Likely benign for Hereditary cancer-predisposing syndrome. Last evaluated: 2025-06-23. Review status: criteria provided, single submitter. Criteria: Ambry Variant Classification Scheme 2023. Collection method: clinical testing. Allele origin: germline.

Labcorp Genetics (formerly Invitae), Labcorp
Classification: Uncertain significance for BAP1-related tumor predisposition syndrome. Last evaluated: 2024-05-08. Review status: criteria provided, single submitter. Criteria: Invitae Variant Classification Sherloc (09022015). Collection method: clinical testing. Allele origin: germline.
Comment: This sequence change replaces alanine, which is neutral and non-polar, with threonine, which is neutral and polar, at codon 217 of the BAP1 protein (p.Ala217Thr). This variant is not present in population databases (gnomAD no frequency). This variant has not been reported in the literature in individuals affected with BAP1-related conditions. ClinVar contains an entry for this variant (Variation ID: 472711). Advanced modeling of protein sequence and biophysical properties (such as structural, functional, and spatial information, amino acid conservation, physicochemical variation, residue mobility, and thermodynamic stability) performed at Invitae indicates that this missense variant is not expected to disrupt BAP1 protein function with a negative predictive value of 80%. In summary, the available evidence is currently insufficient to determine the role of this variant in disease. Therefore, it has been classified as a Variant of Uncertain Significance.

PreventionGenetics, part of Exact Sciences
Classification: Uncertain significance for BAP1-related condition. Last evaluated: 2024-01-03. Review status: no assertion criteria provided. Collection method: clinical testing. Allele origin: germline. Not counted in ClinVar's aggregate classification.
Comment: The BAP1 c.649G>A variant is predicted to result in the amino acid substitution p.Ala217Thr. To our knowledge, this variant has not been reported in the literature or in a large population database, indicating this variant is rare. This variant is interpreted with uncertain significance in ClinVar. At this time, the clinical significance of this variant is uncertain due to the absence of conclusive functional and genetic evidence.

Literature cited by the submitters: PubMed 38969833 (cited by Ambry Genetics).

NM_004656.4(BAP1):c.649G>A (p.Ala217Thr)

Gene: BAP1 (BRCA1 associated deubiquitinase 1; minus strand). Cytogenetic location: 3p21.1.
Variant type: single nucleotide variant.
Coding change: c.649G>A on transcript NM_004656.4 (MANE Select); coding-DNA position 649, G replaced by A.
Protein change: p.Ala217Thr; replaces alanine 217 with threonine.
Molecular consequence: missense variant.
Genome position (GRCh38, 1-based): chr3:52,406,839, C>T on the plus strand (G>A on the coding strand, the complement: BAP1 is on the minus strand). VCF-style: chr3-52406839-C-T. GRCh37 (hg19) VCF-style: chr3-52440855-C-T.
Other names: short protein forms A217T.
Identifiers: ClinVar variation 472711 (VCV000472711.12), dbSNP rs1553645702, ClinGen allele CA353108754.
Genomic context (GRCh38, chr3:52,406,839, plus strand): 5'-AAGTAGGTACAGCTCCAGAGAGTAGAACAGGGCAGGCACAGGGCCCTTACCCTGCAGTGG[C>T]GAGGCCGATACGCTCCATGATGACCCGCCGGGCCTTGTCTGTCCACTCCTCGTCCTCCCC-3'
Protein context (NP_004647.1, residues 207-227): RRVIMERIGL[Ala217Thr]TAGEPYHDIR